The following is an entry in ClinVar:

NM_004252.5(NHERF1):c.966C>A (p.Asp322Glu)

Gene: NHERF1 (NHERF family PDZ scaffold protein 1; plus strand). Cytogenetic location: 17q25.1.
Variant type: single nucleotide variant.
Coding change: c.966C>A on transcript NM_004252.5 (MANE Select); coding-DNA position 966, C replaced by A.
Protein change: p.Asp322Glu; replaces aspartic acid 322 with glutamic acid.
Molecular consequence: missense variant.
Genome position (GRCh38, 1-based): chr17:74,768,545, C>A. VCF-style: chr17-74768545-C-A. GRCh37 (hg19) VCF-style: chr17-72764684-C-A.
Other names: c.966C>A (NM_004252.3); short protein forms D322E.
Identifiers: ClinVar variation 2974106 (VCV002974106.4), dbSNP rs1405098726, ClinGen allele CA400942304.

ClinVar aggregate classification (germline): Uncertain significance. Review status: criteria provided, multiple submitters, no conflicts (2 of 4 stars). 2 submissions from 2 submitters: Uncertain significance (2). Last evaluated 2025-06-07.

Conditions:
Inborn genetic diseases. Identifiers: MedGen C0950123, MeSH D030342.

Allele frequency attached by ClinVar (database versions not stated): gnomAD 0.00002.
gnomAD v4.1: 3 of 1,614,072 alleles (0.00019%); highest among the groups gnomAD compares: African/African-American, 0.004%; no homozygotes.

Submissions (2):

Labcorp Genetics (formerly Invitae), Labcorp
Classification: Uncertain significance. Last evaluated: 2025-06-07. Review status: criteria provided, single submitter. Criteria: Invitae Variant Classification Sherloc (09022015). Collection method: clinical testing. Allele origin: germline.
Comment: This sequence change replaces aspartic acid, which is acidic and polar, with glutamic acid, which is acidic and polar, at codon 322 of the SLC9A3R1 protein (p.Asp322Glu). This variant is present in population databases (no rsID available, gnomAD 0.03%). This variant has not been reported in the literature in individuals affected with SLC9A3R1-related conditions. ClinVar contains an entry for this variant (Variation ID: 2974106). An algorithm developed to predict the effect of missense changes on protein structure and function (PolyPhen-2) suggests that this variant is likely to be disruptive. In summary, the available evidence is currently insufficient to determine the role of this variant in disease. Therefore, it has been classified as a Variant of Uncertain Significance.

Ambry Genetics
Classification: Uncertain significance for Inborn genetic diseases. Last evaluated: 2022-07-12. Review status: criteria provided, single submitter. Criteria: Ambry Variant Classification Scheme 2023. Collection method: clinical testing. Allele origin: germline.